The following is an entry in ClinVar:

ClinVar aggregate classification (germline): Likely benign. Review status: criteria provided, multiple submitters, no conflicts (2 of 4 stars). 2 submissions from 2 submitters: Likely benign (2). Last evaluated 2026-08-01.

Allele frequency attached by ClinVar (database versions not stated): gnomAD 0.00003 and 0.00005; TOPMed 0.00007; gnomAD exomes 0.00017; ExAC 0.00020; ESP Exome Variant Server 0.00023; 1000 Genomes Project 0.00040; 1000 Genomes Project 30x 0.00047.
gnomAD v4.1: 300 of 1,584,752 alleles (0.019%); highest among the groups gnomAD compares: Middle Eastern, 0.083%; no homozygotes.

Submissions (2):

CeGaT Center for Human Genetics Tuebingen
Classification: Likely benign. Last evaluated: 2026-08-01. Review status: criteria provided, single submitter. Criteria: CeGaT Center For Human Genetics Tuebingen Variant Classification Criteria Version 2. Collection method: clinical testing. Allele origin: germline. Affected: yes. Observed: 1 variant allele.
Comment: C5: BP4

Labcorp Genetics (formerly Invitae), Labcorp
Classification: Likely benign. Last evaluated: 2025-10-14. Review status: criteria provided, single submitter. Criteria: Invitae Variant Classification Sherloc (09022015). Collection method: clinical testing. Allele origin: germline.

NM_001735.3(C5):c.4505-7G>A

Gene: C5 (complement C5; minus strand). Cytogenetic location: 9q33.2.
Variant type: single nucleotide variant.
Coding change: c.4505-7G>A on transcript NM_001735.3 (MANE Select); 7 bases into the intron before coding-DNA position 4505, G replaced by A.
Molecular consequence: intron variant.
Genome position (GRCh38, 1-based): chr9:120,961,572, C>T on the plus strand (G>A on the coding strand, the complement: C5 is on the minus strand). VCF-style: chr9-120961572-C-T. GRCh37 (hg19) VCF-style: chr9-123723850-C-T.
Other names: c.4523-7G>A (NM_001317163.2).
Identifiers: ClinVar variation 1581735 (VCV001581735.9), dbSNP rs202069815, ClinGen allele CA5217149.
Genomic context (GRCh38, chr9:120,961,572, plus strand): 5'-AGACTTTCTGAATTTTGATATTGGAAGTGCTATAAAACATGGTACACTGTTTATCTGTGG[C>T]AACAAAAGTGTGGTTAAGAGAAGTGGTTTGATTGAAGAACAACACATTTACTAATTGGCA-3'